The following is an entry in ClinVar:

NM_003038.5(SLC1A4):c.79A>G (p.Thr27Ala)

Gene: SLC1A4 (solute carrier family 1 member 4; plus strand). Cytogenetic location: 2p14.
Variant type: single nucleotide variant.
Coding change: c.79A>G on transcript NM_003038.5 (MANE Select); coding-DNA position 79, A replaced by G.
Protein change: p.Thr27Ala; replaces threonine 27 with alanine.
Molecular consequence: missense variant. On other transcripts: intron variant (3).
Genome position (GRCh38, 1-based): chr2:64,989,722, A>G. VCF-style: chr2-64989722-A-G. GRCh37 (hg19) VCF-style: chr2-65216856-A-G.
Other names: c.-134+1102A>G (NM_001348406.2, NM_001193493.2); c.-134+1168A>G (NM_001348407.2); short protein forms T27A.
Identifiers: ClinVar variation 2873799 (VCV002873799.3), dbSNP rs1672968165, ClinGen allele CA347078042.

ClinVar aggregate classification (germline): Uncertain significance (1 of 4 stars; one submission).

Allele frequency attached by ClinVar (database versions not stated): gnomAD 0.00001; gnomAD exomes below 0.00001.
gnomAD v4.1: 4 of 1,489,316 alleles (0.00027%); highest among the groups gnomAD compares: African/African-American, 0.0029%; no homozygotes.

Submission:

Labcorp Genetics (formerly Invitae), Labcorp
Classification: Uncertain significance. Last evaluated: 2025-06-09. Review status: criteria provided, single submitter. Criteria: Invitae Variant Classification Sherloc (09022015). Collection method: clinical testing. Allele origin: germline.
Comment: This sequence change replaces threonine, which is neutral and polar, with alanine, which is neutral and non-polar, at codon 27 of the SLC1A4 protein (p.Thr27Ala). This variant is not present in population databases (gnomAD no frequency). This variant has not been reported in the literature in individuals affected with SLC1A4-related conditions. ClinVar contains an entry for this variant (Variation ID: 2873799). An algorithm developed to predict the effect of missense changes on protein structure and function outputs the following: PolyPhen-2: "Benign". The alanine amino acid residue is found in multiple mammalian species, which suggests that this missense change does not adversely affect protein function. In summary, the available evidence is currently insufficient to determine the role of this variant in disease. Therefore, it has been classified as a Variant of Uncertain Significance.